The following is an entry in ClinVar:

NM_007294.4(BRCA1):c.4370C>G (p.Ser1457Ter)

Gene: BRCA1 (BRCA1 DNA repair associated; minus strand). Cytogenetic location: 17q21.31.
Variant type: single nucleotide variant.
Coding change: c.4370C>G on transcript NM_007294.4 (MANE Select); coding-DNA position 4370, C replaced by G.
Protein change: p.Ser1457Ter; replaces serine 1457 with a stop codon.
Molecular consequence: nonsense. On other transcripts: non-coding transcript variant (1).
Genome position (GRCh38, 1-based): chr17:43,076,602, G>C on the plus strand (C>G on the coding strand, the complement: BRCA1 is on the minus strand). VCF-style: chr17-43076602-G-C. GRCh37 (hg19) VCF-style: chr17-41228619-G-C.
Other names: c.4226C>G, p.Ser1409Ter (NM_001407747.1, NM_001407748.1, NM_001407749.1 and 21 more transcripts); c.4223C>G, p.Ser1408Ter (NM_001407838.1, NM_001407839.1, NM_001407841.1 and 12 more transcripts); c.4367C>G, p.Ser1456Ter (NM_001407623.1, NM_001407624.1, NM_001407625.1 and 17 more transcripts); c.4364C>G, p.Ser1455Ter (NM_001407627.1, NM_001407628.1, NM_001407629.1 and 14 more transcripts); c.4361C>G, p.Ser1454Ter (NM_001407644.1, NM_001407645.1); c.4358C>G, p.Ser1453Ter (NM_001407646.1); c.4355C>G, p.Ser1452Ter (NM_001407647.1); c.4313C>G, p.Ser1438Ter (NM_001407648.1); and 68 more; short protein forms S1457*, S1410*, S1478*, S353*, S1160*, S1345*, S1367*, S1368*.
Identifiers: ClinVar variation 55182 (VCV000055182.13), dbSNP rs80357130, ClinGen allele CA002802.

ClinVar aggregate classification (germline): Pathogenic. Review status: reviewed by expert panel (3 of 4 stars). 3 submissions from 3 submitters: Pathogenic (1). 2 of the submissions do not count toward it. Last evaluated 2016-09-08.

Conditions:
Hereditary breast ovarian cancer syndrome. Also called: BRCA1- and BRCA2-Associated Hereditary Breast and Ovarian Cancer; Hereditary breast and ovarian cancer syndrome; Hereditary breast and ovarian cancer syndrome (HBOC); Breast and ovarian cancer; Hereditary breast and/or ovarian cancer syndrome; Hereditary breast and ovarian cancer. Identifiers: Orphanet 145, MedGen C0677776, MeSH D061325, MONDO:0003582. Disease mechanism: loss of function.
Breast-ovarian cancer, familial, susceptibility to, 1 (BROVCA1). Also called: BRCA1 Hereditary Breast and Ovarian Cancer; OVARIAN CANCER, SUSCEPTIBILITY TO. Identifiers: Orphanet 145, MedGen C2676676, MONDO:0011450, OMIM 604370. Disease mechanism: loss of function.

Submissions (3):

Evidence-based Network for the Interpretation of Germline Mutant Alleles (ENIGMA)
Classification: Pathogenic for Breast-ovarian cancer, familial, susceptibility to, 1. Last evaluated: 2016-09-08. Review status: reviewed by expert panel. Criteria: ENIGMA BRCA1/2 Classification Criteria (2015). Collection method: curation. Allele origin: germline.
Comment: Variant allele predicted to encode a truncated non-functional protein.

Labcorp Genetics (formerly Invitae), Labcorp
Classification: Pathogenic for Hereditary breast ovarian cancer syndrome. Last evaluated: 2023-09-18. Review status: criteria provided, single submitter. Criteria: Invitae Variant Classification Sherloc (09022015). Collection method: clinical testing. Allele origin: germline. Not counted in ClinVar's aggregate classification.
Comment: ClinVar contains an entry for this variant (Variation ID: 55182). For these reasons, this variant has been classified as Pathogenic. Algorithms developed to predict the effect of sequence changes on RNA splicing suggest that this variant may disrupt the consensus splice site. This premature translational stop signal has been observed in individual(s) with breast cancer (PMID: 31173646). This variant is not present in population databases (gnomAD no frequency). This sequence change creates a premature translational stop signal (p.Ser1457*) in the BRCA1 gene. It is expected to result in an absent or disrupted protein product. Loss-of-function variants in BRCA1 are known to be pathogenic (PMID: 20104584).

Breast Cancer Information Core (BIC) (BRCA1)
Classification: Pathogenic for Breast-ovarian cancer, familial 1. Last evaluated: 2003-12-23. Review status: no assertion criteria provided. Collection method: clinical testing. Allele origin: germline. Affected: yes. Observed: 1 variant allele. Not counted in ClinVar's aggregate classification.

Literature cited by the submitters: PubMed 31173646 (cited by Labcorp Genetics (formerly Invitae), Labcorp); PubMed 20104584 (cited by Labcorp Genetics (formerly Invitae), Labcorp).